The following is an entry in ClinVar:

NM_152743.4(BRAT1):c.586C>G (p.Gln196Glu)

Gene: BRAT1 (BRCA1 associated ATM activator 1; minus strand). Cytogenetic location: 7p22.3.
Variant type: single nucleotide variant.
Coding change: c.586C>G on transcript NM_152743.4 (MANE Select); coding-DNA position 586, C replaced by G.
Protein change: p.Gln196Glu; replaces glutamine 196 with glutamic acid.
Molecular consequence: missense variant. On other transcripts: non-coding transcript variant (1).
Genome position (GRCh38, 1-based): chr7:2,543,807, G>C on the plus strand (C>G on the coding strand, the complement: BRAT1 is on the minus strand). VCF-style: chr7-2543807-G-C. GRCh37 (hg19) VCF-style: chr7-2583441-G-C.
Other names: c.586C>G, p.Gln196Glu (NM_001350626.2); c.61C>G, p.Gln21Glu (NM_001350627.2); short protein forms Q196E, Q21E.
Identifiers: ClinVar variation 1941414 (VCV001941414.5), dbSNP rs149814450, ClinGen allele CA4128152.
Genomic context (GRCh38, chr7:2,543,807, plus strand): 5'-GAGTGACCTTGGGGGTGGCCGCGGAGCACAAGGACTCTTCAACGTGATCCATGATCTTCT[G>C]GGCACACGCGGGCCAGTCACCCCCCGGCAGGCAGGGCTGCCCCTCGGCTCCACCTCGCAT-3'
Protein context (NP_689956.2, residues 186-206): LPGGDWPACA[Gln196Glu]KIMDHVEESL

ClinVar aggregate classification (germline): Uncertain significance (1 of 4 stars; one submission).

Conditions:
Neonatal-onset encephalopathy with rigidity and seizures. Also called: Lethal neonatal spasticity-epileptic encephalopathy syndrome. Identifiers: Orphanet 435845, MedGen C3281029, MONDO:0013784, OMIM 614498.

Allele frequency attached by ClinVar (database versions not stated): ExAC 0.00001; ESP Exome Variant Server 0.00008.
gnomAD v4.1: 3 of 1,612,742 alleles (0.00019%); highest among the groups gnomAD compares: African/African-American, 0.0027%; no homozygotes.

Submission:

Labcorp Genetics (formerly Invitae), Labcorp
Classification: Uncertain significance for Neonatal-onset encephalopathy with rigidity and seizures. Last evaluated: 2023-08-04. Review status: criteria provided, single submitter. Criteria: Invitae Variant Classification Sherloc (09022015). Collection method: clinical testing. Allele origin: germline.
Comment: ClinVar contains an entry for this variant (Variation ID: 1941414). This sequence change replaces glutamine, which is neutral and polar, with glutamic acid, which is acidic and polar, at codon 196 of the BRAT1 protein (p.Gln196Glu). This variant is not present in population databases (gnomAD no frequency). This variant has not been reported in the literature in individuals affected with BRAT1-related conditions. Advanced modeling of protein sequence and biophysical properties (such as structural, functional, and spatial information, amino acid conservation, physicochemical variation, residue mobility, and thermodynamic stability) performed at Invitae indicates that this missense variant is not expected to disrupt BRAT1 protein function. In summary, the available evidence is currently insufficient to determine the role of this variant in disease. Therefore, it has been classified as a Variant of Uncertain Significance.